The following is an entry in ClinVar:

NM_021252.5(RAB18):c.619T>A (p.Ter207Lys)

Gene: RAB18 (RAB18, member RAS oncogene family; plus strand). Cytogenetic location: 10p12.1.
Variant type: single nucleotide variant.
Coding change: c.619T>A on transcript NM_021252.5 (MANE Select); coding-DNA position 619, T replaced by A.
Protein change: p.Ter207Lys.
Molecular consequence: stop lost. On other transcripts: nonsense (1), non-coding transcript variant (1).
Genome position (GRCh38, 1-based): chr10:27,538,049, T>A. VCF-style: chr10-27538049-T-A. GRCh37 (hg19) VCF-style: chr10-27826978-T-A.
Other names: p.*207Lyse*t*20; c.552T>A, p.Tyr184Ter (NM_001256411.2); c.427T>A, p.Ter143Lys (NM_001256412.2); c.706T>A, p.Ter236Lys (NM_001256410.2); short protein forms Y184*.
Identifiers: ClinVar variation 4541536 (VCV004541536.1).

ClinVar aggregate classification (germline): Uncertain significance (1 of 4 stars; one submission).

Submission:

Mayo Clinic Laboratories, Mayo Clinic
Classification: Uncertain significance. Last evaluated: 2025-05-20. Review status: criteria provided, single submitter. Criteria: ACMG Guidelines, 2015. Collection method: clinical testing. Allele origin: germline. Observed: 1 variant allele.
Comment: PM2_supporting, PM4